The following is an entry in ClinVar:

ClinVar aggregate classification (germline): Pathogenic (1 of 4 stars; one submission).

Submission:

Labcorp Genetics (formerly Invitae), Labcorp
Classification: Pathogenic. Last evaluated: 2023-12-11. Review status: criteria provided, single submitter. Criteria: Invitae Variant Classification Sherloc (09022015). Collection method: clinical testing. Allele origin: germline.
Comment: This sequence change results in a frameshift in the CNGB3 gene (p.Glu729Lysfs*100). While this is not anticipated to result in nonsense mediated decay, it is expected to disrupt the last 81 amino acid(s) of the CNGB3 protein and extend the protein by 18 additional amino acid residues. This variant is present in population databases (no rsID available, gnomAD 0.007%). This variant has not been reported in the literature in individuals affected with CNGB3-related conditions. ClinVar contains an entry for this variant (Variation ID: 1401244). This variant results in an extension of the CNGB3 protein. Other variant(s) that result in a similarly extended protein product (p.Glu729Metfs*99) have been determined to be pathogenic (Invitae). This suggests that these extensions are likely to be disease-causing. For these reasons, this variant has been classified as Pathogenic.

NM_019098.5(CNGB3):c.2184del (p.Glu729fs)

Gene: CNGB3 (cyclic nucleotide gated channel subunit beta 3; minus strand). Cytogenetic location: 8q21.3.
Variant type: Deletion.
Coding change: c.2184del on transcript NM_019098.5 (MANE Select); coding-DNA position 2184, one base deleted (A; older notation c.2184delA).
Protein change: p.Glu729fs; shifts the reading frame from glutamic acid 729.
Molecular consequence: frameshift variant.
Genome position (GRCh38, 1-based): chr8:86,576,050, T deleted on the plus strand (A on the coding strand, the reverse complement: CNGB3 is on the minus strand); the first of 5 consecutive T bases (chr8:86,576,050-86,576,054); deleting any one gives the same sequence. VCF-style (leftmost placement, unchanged base first): chr8-86576049-CT-C. GRCh37 (hg19) VCF-style: chr8-87588277-CT-C.
Other names: short protein forms E729fs.
Identifiers: ClinVar variation 1401244 (VCV001401244.6), dbSNP rs1302125467, ClinGen allele CA583366119.
Genomic context (GRCh38, chr8:86,576,049, plus strand): 5'-TCTCTTCTGGCTCTCTTCCTTTATCTTTATCTTCATTTTCTTTTCCTTTATCTTCATTTT[CT>C]TTTTGTTTATCTTCATTTTCTTTTTGTTTATCTTCATTTTCTTTTCCTTCTTCCTCTCCT-3'